The following is an entry in ClinVar:

NM_000088.4(COL1A1):c.2667+5G>A

Gene: COL1A1 (collagen type I alpha 1 chain; minus strand). Cytogenetic location: 17q21.33.
Variant type: single nucleotide variant.
Coding change: c.2667+5G>A on transcript NM_000088.4 (MANE Select); 5 bases into the intron after coding-DNA position 2667, G replaced by A.
Molecular consequence: intron variant.
Genome position (GRCh38, 1-based): chr17:50,189,674, C>T on the plus strand (G>A on the coding strand, the complement: COL1A1 is on the minus strand). VCF-style: chr17-50189674-C-T. GRCh37 (hg19) VCF-style: chr17-48267035-C-T.
Identifiers: ClinVar variation 2444133 (VCV002444133.1), dbSNP rs2509185655, ClinGen allele CA2580094239.
Genomic context (GRCh38, chr17:50,189,674, plus strand): 5'-TCCTTCTGGCAGCCCCCACCCAGCACCCCCAACCTAGAGCAGTGGACTCTGCTGCAGAGA[C>T]TTACAGAGGGGCCAGGAGGACCGACTCGGCCAGCAGCACCAGGGAAACCAGTAGCACCCT-3'

ClinVar aggregate classification (germline): Uncertain significance (1 of 4 stars; one submission).

Conditions:
Osteogenesis imperfecta type I (OI1). Also called: OI, TYPE I; OSTEOGENESIS IMPERFECTA TARDA; OSTEOGENESIS IMPERFECTA WITH BLUE SCLERAE; Lobstein disease; Osteogenesis imperfecta type 1; Lobstein's Disease. Identifiers: Orphanet 216796, Orphanet 666, MedGen C0023931, MONDO:0008146, OMIM 166200. Disease mechanism: loss of function.

Allele frequency attached by ClinVar (database versions not stated): gnomAD exomes below 0.00001.
gnomAD v4.1: 1 of 1,613,964 alleles (0.000062%); highest among the groups gnomAD compares: Non-Finnish European, 0.000085%; no homozygotes.

Submission:

3billion
Classification: Uncertain significance for Osteogenesis imperfecta type I. Last evaluated: 2023-02-23. Review status: criteria provided, single submitter. Criteria: ACMG Guidelines, 2015. Collection method: clinical testing. Allele origin: unknown. Affected: yes.
Comment: The variant is not observed in the gnomAD v2.1.1 dataset. Splice variant predicted to result in premature truncation by alternate splicing. In silico tools predict the variant to alter splicing and produce an abnormal transcript (SpliceAI: 0.72). Therefore, this variant is classified as VUS according to the recommendation of ACMG/AMP guideline.